The following is an entry in ClinVar:

NM_006269.2(RP1):c.447G>A (p.Met149Ile)

Gene: RP1 (RP1 axonemal microtubule associated; plus strand). Cytogenetic location: 8q12.1.
Variant type: single nucleotide variant.
Coding change: c.447G>A on transcript NM_006269.2 (MANE Select); coding-DNA position 447, G replaced by A.
Protein change: p.Met149Ile; replaces methionine 149 with isoleucine.
Molecular consequence: missense variant.
Genome position (GRCh38, 1-based): chr8:54,621,413, G>A. VCF-style: chr8-54621413-G-A. GRCh37 (hg19) VCF-style: chr8-55533973-G-A.
Other names: c.447G>A, p.Met149Ile (NM_001375654.1); short protein forms M149I.
Identifiers: ClinVar variation 2131358 (VCV002131358.4), dbSNP rs1805868607, ClinGen allele CA370986887.
Genomic context (GRCh38, chr8:54,621,413, plus strand): 5'-CAGCCGGGCCATTAGCGCGCACTCACCGCCCCACCCCGTAGCCGTCGCTGCTCCCGGCAT[G>A]CCCCGCCCCCCACGGAGCCTAGTGGTCTTCAGGAATGGCGACCCGAAGACGAGGCGTGCG-3'
Protein context (NP_006260.1, residues 139-159): PHPVAVAAPG[Met149Ile]PRPPRSLVVF

ClinVar aggregate classification (germline): Uncertain significance (1 of 4 stars; one submission).

Submission:

Labcorp Genetics (formerly Invitae), Labcorp
Classification: Uncertain significance. Last evaluated: 2025-02-25. Review status: criteria provided, single submitter. Criteria: Invitae Variant Classification Sherloc (09022015). Collection method: clinical testing. Allele origin: germline.
Comment: This sequence change replaces methionine, which is neutral and non-polar, with isoleucine, which is neutral and non-polar, at codon 149 of the RP1 protein (p.Met149Ile). This variant is not present in population databases (gnomAD no frequency). This variant has not been reported in the literature in individuals affected with RP1-related conditions. ClinVar contains an entry for this variant (Variation ID: 2131358). An algorithm developed to predict the effect of missense changes on protein structure and function (PolyPhen-2) suggests that this variant is likely to be tolerated. In summary, the available evidence is currently insufficient to determine the role of this variant in disease. Therefore, it has been classified as a Variant of Uncertain Significance.